The following is an entry in ClinVar:

NM_001367823.1(ARHGEF18):c.1534C>T (p.Arg512Cys)

Gene: ARHGEF18 (Rho/Rac guanine nucleotide exchange factor 18; plus strand). Cytogenetic location: 19p13.2.
Variant type: single nucleotide variant.
Coding change: c.1534C>T on transcript NM_001367823.1 (MANE Select); coding-DNA position 1534, C replaced by T.
Protein change: p.Arg512Cys; replaces arginine 512 with cysteine.
Molecular consequence: missense variant.
Genome position (GRCh38, 1-based): chr19:7,444,377, C>T. VCF-style: chr19-7444377-C-T. GRCh37 (hg19) VCF-style: chr19-7509263-C-T.
Other names: c.808C>T, p.Arg270Cys (NM_001130955.2); c.496C>T, p.Arg166Cys (NM_001367824.1, NM_015318.4); short protein forms R166C, R270C, R512C.
Identifiers: ClinVar variation 1506690 (VCV001506690.6), dbSNP rs372921662, ClinGen allele CA9136494.

ClinVar aggregate classification (germline): Uncertain significance. Review status: criteria provided, multiple submitters, no conflicts (2 of 4 stars). 2 submissions from 2 submitters: Uncertain significance (2). Last evaluated 2024-07-22.

gnomAD v4.1: 13 of 1,613,624 alleles (0.00081%); highest among the groups gnomAD compares: East Asian, 0.0067%; no homozygotes.

Submissions (2):

Blueprint Genetics
Classification: Uncertain significance. Last evaluated: 2024-07-22. Review status: criteria provided, single submitter. Criteria: ACMG Guidelines, 2015. Collection method: clinical testing. Allele origin: germline.

Labcorp Genetics (formerly Invitae), Labcorp
Classification: Uncertain significance. Last evaluated: 2023-02-21. Review status: criteria provided, single submitter. Criteria: Invitae Variant Classification Sherloc (09022015). Collection method: clinical testing. Allele origin: germline.
Comment: This sequence change replaces arginine, which is basic and polar, with cysteine, which is neutral and slightly polar, at codon 324 of the ARHGEF18 protein (p.Arg324Cys). This variant is present in population databases (rs372921662, gnomAD 0.006%). This variant has not been reported in the literature in individuals affected with ARHGEF18-related conditions. ClinVar contains an entry for this variant (Variation ID: 1506690). An algorithm developed to predict the effect of missense changes on protein structure and function (PolyPhen-2) suggests that this variant is likely to be disruptive. In summary, the available evidence is currently insufficient to determine the role of this variant in disease. Therefore, it has been classified as a Variant of Uncertain Significance.